The following is an entry in ClinVar:

NM_000051.4(ATM):c.1841G>C (p.Ser614Thr)

Gene: ATM (ATM serine/threonine kinase; plus strand). Cytogenetic location: 11q22.3.
Variant type: single nucleotide variant.
Coding change: c.1841G>C on transcript NM_000051.4 (MANE Select); coding-DNA position 1841, G replaced by C.
Protein change: p.Ser614Thr; replaces serine 614 with threonine.
Molecular consequence: missense variant.
Genome position (GRCh38, 1-based): chr11:108,252,855, G>C. VCF-style: chr11-108252855-G-C. GRCh37 (hg19) VCF-style: chr11-108123582-G-C.
Other names: c.1841G>C, p.Ser614Thr (NM_001351834.2); short protein forms S614T.
Identifiers: ClinVar variation 407689 (VCV000407689.26), dbSNP rs770377706, ClinGen allele CA6264888.

ClinVar aggregate classification (germline): Uncertain significance. Review status: criteria provided, multiple submitters, no conflicts (2 of 4 stars). 11 submissions from 11 submitters: Uncertain significance (10). 1 of the submissions does not count toward it. Last evaluated 2025-11-22.

Conditions:
ATM-related cancer predisposition. Also called: ATM-related cancer susceptibility. Identifiers: MedGen CN377759, MONDO:0700270.
ATM-related disorder. Also called: ATM-related disorders; ATM-related condition.
Hereditary cancer-predisposing syndrome. Also called: Neoplastic Syndromes, Hereditary; Tumor predisposition; Hereditary Cancer Syndrome; Hereditary neoplastic syndrome. Identifiers: Orphanet 140162, MedGen C0027672, MeSH D009386, MONDO:0015356.
Familial cancer of breast. Also called: hereditary breast carcinoma; BREAST CANCER, FAMILIAL; Hereditary breast cancer. Identifiers: Orphanet 227535, MedGen C0346153, MONDO:0016419, OMIM 114480. Disease mechanism: loss of function.
Ataxia-telangiectasia syndrome (AT). Also called: LOUIS-BAR SYNDROME; Cerebello-oculocutaneous telangiectasia; Immunodeficiency with ataxia telangiectasia; Ataxia-telangiectasia, complementation group E; Ataxia-telangiectasia, complementation group D; AT, COMPLEMENTATION GROUP C. Identifiers: Orphanet 100, MedGen C0004135, MONDO:0008840, OMIM 208900.

Allele frequency attached by ClinVar (database versions not stated): ExAC 0.00001; gnomAD exomes 0.00001; TOPMed 0.00002.
gnomAD v4.1: 46 of 1,613,038 alleles (0.0029%); highest among the groups gnomAD compares: Non-Finnish European, 0.0038%; no homozygotes.

Submissions (11):

Labcorp Genetics (formerly Invitae), Labcorp
Classification: Uncertain significance for Ataxia-telangiectasia syndrome. Last evaluated: 2025-11-22. Review status: criteria provided, single submitter. Criteria: Invitae Variant Classification Sherloc (09022015). Collection method: clinical testing. Allele origin: germline.
Comment: This sequence change replaces serine, which is neutral and polar, with threonine, which is neutral and polar, at codon 614 of the ATM protein (p.Ser614Thr). This variant is present in population databases (rs770377706, gnomAD 0.002%). This missense change has been observed in individual(s) with breast cancer (PMID: 34326862). ClinVar contains an entry for this variant (Variation ID: 407689). Invitae Evidence Modeling of protein sequence and biophysical properties (such as structural, functional, and spatial information, amino acid conservation, physicochemical variation, residue mobility, and thermodynamic stability) indicates that this missense variant is not expected to disrupt ATM protein function with a negative predictive value of 95%. In summary, the available evidence is currently insufficient to determine the role of this variant in disease. Therefore, it has been classified as a Variant of Uncertain Significance.

PreventionGenetics, part of Exact Sciences
Classification: Uncertain significance for ATM-related condition. Last evaluated: 2025-10-10. Review status: criteria provided, single submitter. Criteria: ACMG Guidelines, 2015. Collection method: clinical testing. Allele origin: germline.
Comment: The ATM c.1841G>C variant is predicted to result in the amino acid substitution p.Ser614Thr. This variant has been reported in individuals with breast cancer (Table S5, Decker et al. 2017. PubMed ID: 28779002; Supplementary data, Bhai et al. 2021. PubMed ID: 34326862; Supplementary data, Breast Cancer Association Consortium et al. 2021. PubMed ID: 33471991). This variant has also been observed in healthy controls (Supplementary data, Breast Cancer Association Consortium et al. 2021. PubMed ID: 33471991). This variant is reported in 0.0018% of alleles in individuals of European (Non-Finnish) descent in gnomAD. At this time, the clinical significance of this variant is uncertain due to the absence of conclusive functional and genetic evidence.

Color Diagnostics, LLC DBA Color Health
Classification: Uncertain significance for Hereditary cancer-predisposing syndrome. Last evaluated: 2025-10-01. Review status: criteria provided, single submitter. Criteria: ACMG Guidelines, 2015. Collection method: clinical testing. Allele origin: germline.
Comment: This missense variant replaces serine with threonine at codon 614 of the ATM protein. Computational prediction suggests that this variant may not impact protein structure and function. To our knowledge, functional studies have not been performed for this variant. This variant has been reported in individuals affected with breast cancer (PMID: 33471991), met criteria for hereditary cancer predisposition genetic testing (PMID: 34326862), and affected with an unspecified cancer (PMID: 25742471). This variant has also been identified in 2/250922 chromosomes in the general population by the Genome Aggregation Database (gnomAD). The available evidence is insufficient to determine the role of this variant in disease conclusively. Therefore, this variant is classified as a Variant of Uncertain Significance.

Athena Diagnostics
Classification: Uncertain significance. Last evaluated: 2025-03-21. Review status: criteria provided, single submitter. Criteria: Athena Diagnostics Criteria. Collection method: clinical testing. Allele origin: unknown.

Quest Diagnostics Nichols Institute San Juan Capistrano
Classification: Uncertain significance. Last evaluated: 2025-03-21. Review status: criteria provided, single submitter. Criteria: Quest Diagnostics criteria. Collection method: clinical testing. Allele origin: unknown.
Comment: The ATM c.1841G>C (p.Ser614Thr) variant has been reported in the published literature in individuals with breast cancer (PMID: 34326862 (2021)) and colorectal cancer (PMID: 32658311 (2021)). In a large-scale breast cancer association study, the variant was observed in individuals with breast cancer as well as in reportedly healthy individuals (PMID: 33471991 (2021), see also LOVD). The frequency of this variant in the general population (Genome Aggregation Database) is uninformative in the assessment of its pathogenicity. Analysis of this variant using bioinformatics tools for the prediction of the effect of amino acid changes on protein structure and function yielded conflicting predictions that this variant is benign or damaging. Based on the available information, we are unable to determine the clinical significance of this variant.

Ambry Genetics
Classification: Uncertain significance for Hereditary cancer-predisposing syndrome. Last evaluated: 2024-12-16. Review status: criteria provided, single submitter. Criteria: Ambry Variant Classification Scheme 2023. Collection method: clinical testing. Allele origin: germline.
Comment: The p.S614T variant (also known as c.1841G>C), located in coding exon 11 of the ATM gene, results from a G to C substitution at nucleotide position 1841. The serine at codon 614 is replaced by threonine, an amino acid with similar properties. This alteration has been reported in 2/13087 breast cancer cases and 0/5488 control individuals in the UK (Decker B et al. J Med Genet, 2017 11;54:732-741). This amino acid position is highly conserved in available vertebrate species. In addition, the in silico prediction for this alteration is inconclusive. Based on the available evidence, the clinical significance of this variant remains unclear.

GeneDx
Classification: Uncertain significance. Last evaluated: 2024-06-24. Review status: criteria provided, single submitter. Criteria: GeneDx Variant Classification Process June 2021. Collection method: clinical testing. Allele origin: germline. Affected: yes.
Comment: Not observed at significant frequency in large population cohorts (gnomAD); In silico analysis supports that this missense variant does not alter protein structure/function; This variant is associated with the following publications: (PMID: 25742471, 33471991, 28779002, 34326862)

Baylor Genetics
Classification: Uncertain significance for Familial cancer of breast. Last evaluated: 2024-03-05. Review status: criteria provided, single submitter. Criteria: ACMG Guidelines, 2015. Collection method: clinical testing. Allele origin: unknown.

Department of Pathology and Laboratory Medicine, Sinai Health System
Classification: Uncertain significance for ATM-related cancer predisposition. Last evaluated: 2023-10-03. Review status: criteria provided, single submitter. Criteria: ACMG Guidelines, 2015. Collection method: clinical testing. Allele origin: germline. Affected: no.

Sema4
Classification: Uncertain significance for Hereditary cancer-predisposing syndrome. Last evaluated: 2021-11-06. Review status: criteria provided, single submitter. Criteria: Sema4 Curation Guidelines. Collection method: curation. Allele origin: germline.
Comment: The ATM c.1841G>C (p.S614T) variant has been reported in at least 5 individuals with breast cancer, and has also been identified in 2 healthy controls (PMID: 33471991, 28779002). It was observed in 2/113414 chromosomes of the Non-Finnish European subpopulation in the large and broad cohorts of the Genome Aggregation Database (PMID: 32461654). The variant has been reported in ClinVar (Variation ID: 407689). Functional studies have not been performed, and in silico predictions of the variant's effect on protein function are inconclusive. The evidence is insufficient to meet ACMG/AMP criteria for classifying the variant as benign or pathogenic. Thus, the clinical significance of this variant is currently uncertain.

Natera, Inc.
Classification: Uncertain significance for Ataxia-telangiectasia. Last evaluated: 2020-09-16. Review status: no assertion criteria provided. Collection method: clinical testing. Allele origin: germline. Not counted in ClinVar's aggregate classification.

Literature cited by the submitters: PubMed 34326862 (cited by 4 submitters); PubMed 25742471 (cited by Color Diagnostics, LLC DBA Color Health); PubMed 33471991 (cited by 5 submitters); PubMed 28779002 (cited by 5 submitters); PubMed 32658311 (cited by Athena Diagnostics and Quest Diagnostics Nichols Institute San Juan Capistrano).